The following is an entry in ClinVar:

NM_000077.5(CDKN2A):c.37G>T (p.Ala13Ser)

Gene: CDKN2A (cyclin dependent kinase inhibitor 2A; minus strand). Cytogenetic location: 9p21.3.
Variant type: single nucleotide variant.
Coding change: c.37G>T on transcript NM_000077.5; coding-DNA position 37, G replaced by T.
Protein change: p.Ala13Ser; replaces alanine 13 with serine.
Molecular consequence: missense variant (on NM_000077.6). On other transcripts: intron variant (2).
Genome position (GRCh38, 1-based): chr9:21,974,791, C>A on the plus strand (G>T on the coding strand, the complement: CDKN2A is on the minus strand). VCF-style: chr9-21974791-C-A. GRCh37 (hg19) VCF-style: chr9-21974790-C-A.
Other names: c.37G>T, p.Ala13Ser (NM_000077.6, NM_001195132.2, NM_058197.5); c.-3-3583G>T (NM_001363763.2); c.194-3583G>T (NM_058195.4); short protein forms A13S.
Identifiers: ClinVar variation 569262 (VCV000569262.12), dbSNP rs1416122398, ClinGen allele CA373086671.
Genomic context (GRCh38, chr9:21,974,791, plus strand): 5'-CCAGCAGCGCCCGCACCTCCTCTACCCGACCCCGGGCCGCGGCCGTGGCCAGCCAGTCAG[C>A]CGAAGGCTCCATGCTGCTCCCCGCCGCCGGCTCCATGCTGCTCCCCGCCGCCCGCTGCCT-3'
Protein context (NP_000068.1, residues 3-23): PAAGSSMEPS[Ala13Ser]DWLATAAARG

ClinVar aggregate classification (germline): Uncertain significance. Review status: criteria provided, multiple submitters, no conflicts (2 of 4 stars). 3 submissions from 3 submitters: Uncertain significance (3). Last evaluated 2024-12-19.

Conditions:
Hereditary cancer-predisposing syndrome. Also called: Hereditary neoplastic syndrome; Neoplastic Syndromes, Hereditary; Hereditary Cancer Syndrome; Tumor predisposition. Identifiers: Orphanet 140162, MedGen C0027672, MeSH D009386, MONDO:0015356.
Melanoma and neural system tumor syndrome. Also called: MELANOMA-ASTROCYTOMA SYNDROME. Identifiers: Orphanet 252206, MedGen C1835042, MONDO:0007967, OMIM 155755.
Familial melanoma. Also called: Hereditary melanoma; Hereditary cutaneous melanoma. Identifiers: Orphanet 618, MedGen C1512419, MONDO:0018961.

Submissions (3):

Labcorp Genetics (formerly Invitae), Labcorp
Classification: Uncertain significance for Familial melanoma. Last evaluated: 2024-12-19. Review status: criteria provided, single submitter. Criteria: Invitae Variant Classification Sherloc (09022015). Collection method: clinical testing. Allele origin: germline.
Comment: This sequence change replaces alanine, which is neutral and non-polar, with serine, which is neutral and polar, at codon 13 of the CDKN2A (p16INK4a) protein (p.Ala13Ser). This variant is not present in population databases (gnomAD no frequency). This variant has not been reported in the literature in individuals affected with CDKN2A (p16INK4a)-related conditions. ClinVar contains an entry for this variant (Variation ID: 569262). An algorithm developed to predict the effect of missense changes on protein structure and function (PolyPhen-2) suggests that this variant is likely to be tolerated. In summary, the available evidence is currently insufficient to determine the role of this variant in disease. Therefore, it has been classified as a Variant of Uncertain Significance.

Baylor Genetics
Classification: Uncertain significance for Melanoma and neural system tumor syndrome. Last evaluated: 2024-01-31. Review status: criteria provided, single submitter. Criteria: ACMG Guidelines, 2015. Collection method: clinical testing. Allele origin: unknown.

Ambry Genetics
Classification: Uncertain significance for Hereditary cancer-predisposing syndrome. Last evaluated: 2023-10-06. Review status: criteria provided, single submitter. Criteria: Ambry Variant Classification Scheme 2023. Collection method: clinical testing. Allele origin: germline.
Comment: The p.A13S variant (also known as c.37G>T), located in coding exon 1 of the CDKN2A gene, results from a G to T substitution at nucleotide position 37. The alanine at codon 13 is replaced by serine, an amino acid with similar properties. This amino acid position is well conserved in available vertebrate species. In addition, this alteration is predicted to be tolerated by in silico analysis. Since supporting evidence is limited at this time, the clinical significance of this alteration remains unclear.